The following is an entry in ClinVar:

NM_019842.4(KCNQ5):c.1247+1G>T

Gene: KCNQ5 (potassium voltage-gated channel subfamily Q member 5; plus strand). Cytogenetic location: 6q13.
Variant type: single nucleotide variant.
Coding change: c.1247+1G>T on transcript NM_019842.4 (MANE Select); the canonical splice donor site of the intron after coding-DNA position 1247, G replaced by T.
Molecular consequence: splice donor variant. On other transcripts: intron variant (2).
Genome position (GRCh38, 1-based): chr6:73,124,513, G>T. VCF-style: chr6-73124513-G-T. GRCh37 (hg19) VCF-style: chr6-73834236-G-T.
Other names: c.1247+1G>T (NM_001160133.2, NM_001160134.2); c.1220+3936G>T (NM_001160132.2, NM_001160130.2).
Identifiers: ClinVar variation 1312327 (VCV001312327.2), dbSNP rs1775869691, ClinGen allele CA364827325.

ClinVar aggregate classification (germline): Uncertain significance (1 of 4 stars; one submission).

Allele frequency attached by ClinVar (database versions not stated): gnomAD exomes below 0.00001; TOPMed below 0.00001; gnomAD 0.00001.
gnomAD v4.1: 2 of 1,613,186 alleles (0.00012%); highest among the groups gnomAD compares: Non-Finnish European, 0.00017%; no homozygotes.

Submission:

GeneDx
Classification: Uncertain significance. Last evaluated: 2019-09-13. Review status: criteria provided, single submitter. Criteria: GeneDx Variant Classification Process June 2021. Collection method: clinical testing. Allele origin: germline. Affected: yes.
Comment: Not observed in large population cohorts (Lek et al., 2016); Canonical splice site variant predicted to result in an in-frame deletion of exon 9; Has not been previously published as pathogenic or benign to our knowledge